The following is an entry in ClinVar:

ClinVar aggregate classification (germline): Uncertain significance (1 of 4 stars; one submission).

Conditions:
Inborn genetic diseases. Identifiers: MedGen C0950123, MeSH D030342.

gnomAD v4.1: 1 of 1,607,904 alleles (0.000062%); highest among the groups gnomAD compares: Non-Finnish European, 0.000085%; no homozygotes.

Submission:

Ambry Genetics
Classification: Uncertain significance for Inborn genetic diseases. Last evaluated: 2022-06-22. Review status: criteria provided, single submitter. Criteria: Ambry Variant Classification Scheme 2023. Collection method: clinical testing. Allele origin: germline.
Comment: The c.2400+5G>T intronic variant results from a G to T substitution 5 nucleotides after coding exon 16 in the AARS gene. This nucleotide position is highly conserved in available vertebrate species. In silico splice site analysis predicts that this alteration will not have any significant effect on splicing. Since supporting evidence is limited at this time, the clinical significance of this alteration remains unclear.

NM_001605.3(AARS1):c.2400+5G>T

Gene: AARS1 (alanyl-tRNA synthetase 1; minus strand). Cytogenetic location: 16q22.1.
Variant type: single nucleotide variant.
Coding change: c.2400+5G>T on transcript NM_001605.3 (MANE Select); 5 bases into the intron after coding-DNA position 2400, G replaced by T.
Molecular consequence: intron variant.
Genome position (GRCh38, 1-based): chr16:70,254,616, C>A on the plus strand (G>T on the coding strand, the complement: AARS1 is on the minus strand). VCF-style: chr16-70254616-C-A. GRCh37 (hg19) VCF-style: chr16-70288519-C-A.
Identifiers: ClinVar variation 1800101 (VCV001800101.2), dbSNP rs746998154, ClinGen allele CA2580091990.